The following is an entry in ClinVar:

NM_152309.3(PIK3AP1):c.1470A>G (p.Glu490=)

Gene: PIK3AP1 (phosphoinositide-3-kinase adaptor protein 1; minus strand). Cytogenetic location: 10q24.1.
Variant type: single nucleotide variant.
Coding change: c.1470A>G on transcript NM_152309.3 (MANE Select); coding-DNA position 1470, A replaced by G.
Protein change: p.Glu490=; no amino-acid change (glutamic acid 490 retained).
Molecular consequence: synonymous variant.
Genome position (GRCh38, 1-based): chr10:96,628,399, T>C on the plus strand (A>G on the coding strand, the complement: PIK3AP1 is on the minus strand). VCF-style: chr10-96628399-T-C. GRCh37 (hg19) VCF-style: chr10-98388156-T-C.
Identifiers: ClinVar variation 2013288 (VCV002013288.4), dbSNP rs1418071777, ClinGen allele CA471067991.

ClinVar aggregate classification (germline): Uncertain significance (1 of 4 stars; one submission).

Conditions:
Infantile spasms. Also called: Infantile spasm. Identifiers: MedGen C3887898, HP:0012469.

Allele frequency attached by ClinVar (database versions not stated): gnomAD 0.00001.
gnomAD v4.1: 1 of 1,600,154 alleles (0.000062%); highest among the groups gnomAD compares: Non-Finnish European, 0.000086%; no homozygotes.

Submission:

Labcorp Genetics (formerly Invitae), Labcorp
Classification: Uncertain significance for Infantile spasms. Last evaluated: 2022-07-02. Review status: criteria provided, single submitter. Criteria: Invitae Variant Classification Sherloc (09022015). Collection method: clinical testing. Allele origin: germline.
Comment: In summary, the available evidence is currently insufficient to determine the role of this variant in disease. Therefore, it has been classified as a Variant of Uncertain Significance. Algorithms developed to predict the effect of sequence changes on RNA splicing suggest that this variant is not likely to affect RNA splicing. This variant has not been reported in the literature in individuals affected with PIK3AP1-related conditions. This variant is present in population databases (no rsID available, gnomAD 0.007%). This sequence change affects codon 490 of the PIK3AP1 mRNA. It is a 'silent' change, meaning that it does not change the encoded amino acid sequence of the PIK3AP1 protein. It affects a nucleotide within the consensus splice site.